The following is an entry in ClinVar:

NM_015021.3(ZNF292):c.871T>G (p.Cys291Gly)

Gene: ZNF292 (zinc finger protein 292; plus strand). Cytogenetic location: 6q14.3.
Variant type: single nucleotide variant.
Coding change: c.871T>G on transcript NM_015021.3 (MANE Select); coding-DNA position 871, T replaced by G.
Protein change: p.Cys291Gly; replaces cysteine 291 with glycine.
Molecular consequence: missense variant.
Genome position (GRCh38, 1-based): chr6:87,243,604, T>G. VCF-style: chr6-87243604-T-G. GRCh37 (hg19) VCF-style: chr6-87953322-T-G.
Other names: c.451T>G, p.Cys151Gly (NM_001351444.2); c.871T>G (NM_015021.1); short protein forms C151G, C291G.
Identifiers: ClinVar variation 1676030 (VCV001676030.34), dbSNP rs184839913, ClinGen allele CA3913739.

ClinVar aggregate classification (germline): Likely benign. Review status: criteria provided, multiple submitters, no conflicts (2 of 4 stars). 2 submissions from 2 submitters: Likely benign (2). Last evaluated 2025-01-13.

Conditions:
Inborn genetic diseases. Identifiers: MedGen C0950123, MeSH D030342.

Allele frequency attached by ClinVar (database versions not stated): 1000 Genomes Project 0.00020; TOPMed 0.00082; ExAC 0.00083; ESP Exome Variant Server 0.00102; 1000 Genomes Project 30x 0.00016; gnomAD 0.00102 and 0.00103; gnomAD exomes 0.00103.
gnomAD v4.1: 2,363 of 1,480,612 alleles (0.16%); highest among the groups gnomAD compares: Non-Finnish European, 0.2%; 7 homozygotes.

Submissions (2):

Ambry Genetics
Classification: Likely benign for Inborn genetic diseases. Last evaluated: 2025-01-13. Review status: criteria provided, single submitter. Criteria: Ambry Variant Classification Scheme 2023. Collection method: clinical testing. Allele origin: germline.

CeGaT Center for Human Genetics Tuebingen
Classification: Likely benign. Last evaluated: 2024-11-01. Review status: criteria provided, single submitter. Criteria: CeGaT Center For Human Genetics Tuebingen Variant Classification Criteria Version 2. Collection method: clinical testing. Allele origin: germline. Affected: yes. Observed: 7 variant alleles.
Comment: ZNF292: BS1